The following is an entry in ClinVar:

NM_003722.5(TP63):c.1922C>T (p.Ala641Val)

Gene: TP63 (tumor protein p63; plus strand). Cytogenetic location: 3q28.
Variant type: single nucleotide variant.
Coding change: c.1922C>T on transcript NM_003722.5 (MANE Select); coding-DNA position 1922, C replaced by T.
Protein change: p.Ala641Val; replaces alanine 641 with valine.
Molecular consequence: missense variant. On other transcripts: 3 prime UTR variant (6).
Genome position (GRCh38, 1-based): chr3:189,894,381, C>T. VCF-style: chr3-189894381-C-T. GRCh37 (hg19) VCF-style: chr3-189612170-C-T.
Other names: c.*160C>T (NM_001114978.2, NM_001114981.2); c.1640C>T, p.Ala547Val (NM_001114980.2); c.*150C>T (NM_001329144.2, NM_001329145.2, NM_001329149.2 and 1 more transcripts); c.1385C>T, p.Ala462Val (NM_001329146.2); c.1910C>T, p.Ala637Val (NM_001329148.2); c.1916C>T, p.Ala639Val (NM_001329964.2); short protein forms A641V, A462V, A547V, A637V, A639V.
Identifiers: ClinVar variation 418521 (VCV000418521.3), dbSNP rs1064793283, ClinGen allele CA16617859.

ClinVar aggregate classification (germline): Likely pathogenic (1 of 4 stars; one submission).

Submission:

GeneDx
Classification: Likely pathogenic. Last evaluated: 2021-06-29. Review status: criteria provided, single submitter. Criteria: GeneDx Variant Classification Process June 2021. Collection method: clinical testing. Allele origin: germline. Affected: yes.
Comment: Not observed in large population cohorts (Lek et al., 2016); In silico analysis supports that this missense variant has a deleterious effect on protein structure/function; Has not been previously published as pathogenic or benign to our knowledge; This variant is associated with the following publications: (PMID: 27535533, 29339502, 12037717)